The following is an entry in ClinVar:

ClinVar aggregate classification (germline): Uncertain significance (1 of 4 stars; one submission).

Allele frequency attached by ClinVar (database versions not stated): TOPMed below 0.00001; gnomAD 0.00001; ExAC 0.00012; 1000 Genomes Project 30x 0.00031; 1000 Genomes Project 0.00040.
gnomAD v4.1: 34 of 1,589,168 alleles (0.0021%); highest among the groups gnomAD compares: South Asian, 0.033%; no homozygotes.

Submission:

Labcorp Genetics (formerly Invitae), Labcorp
Classification: Uncertain significance. Last evaluated: 2023-12-18. Review status: criteria provided, single submitter. Criteria: Invitae Variant Classification Sherloc (09022015). Collection method: clinical testing. Allele origin: germline.
Comment: This sequence change replaces methionine, which is neutral and non-polar, with threonine, which is neutral and polar, at codon 427 of the LARP7 protein (p.Met427Thr). This variant is present in population databases (rs534168966, gnomAD 0.06%). This variant has not been reported in the literature in individuals affected with LARP7-related conditions. Advanced modeling of protein sequence and biophysical properties (such as structural, functional, and spatial information, amino acid conservation, physicochemical variation, residue mobility, and thermodynamic stability) performed at Invitae indicates that this missense variant is not expected to disrupt LARP7 protein function with a negative predictive value of 80%. In summary, the available evidence is currently insufficient to determine the role of this variant in disease. Therefore, it has been classified as a Variant of Uncertain Significance.

NM_016648.4(LARP7):c.1280T>C (p.Met427Thr)

Genes: LARP7 (La ribonucleoprotein 7, transcriptional regulator; plus strand), MIR302CHG (miR-302/367 cluster host gene; minus strand). Cytogenetic location: 4q25.
Variant type: single nucleotide variant.
Coding change: c.1280T>C on transcript NM_016648.4 (MANE Select); coding-DNA position 1280, T replaced by C.
Protein change: p.Met427Thr; replaces methionine 427 with threonine.
Molecular consequence: missense variant.
Genome position (GRCh38, 1-based): chr4:112,649,672, T>C. VCF-style: chr4-112649672-T-C. GRCh37 (hg19) VCF-style: chr4-113570828-T-C.
Other names: c.1277T>C, p.Met426Thr (NM_001370980.1, NM_001370979.1); c.1043T>C, p.Met348Thr (NM_001370981.1, NM_001370982.1); c.1280T>C, p.Met427Thr (NM_015454.3, NM_001267039.4, NM_001370978.1); c.1319T>C, p.Met440Thr (NM_001370974.1, NM_001370975.1); c.1316T>C, p.Met439Thr (NM_001370976.1, NM_001370977.1); short protein forms M427T, M426T, M439T, M348T, M440T.
Identifiers: ClinVar variation 3000204 (VCV003000204.3), dbSNP rs534168966, ClinGen allele CA3049637.